The following is an entry in ClinVar:

NM_080424.4(SP110):c.1301T>C (p.Ile434Thr)

Gene: SP110 (SP110 nuclear body protein; minus strand). Cytogenetic location: 2q37.1.
Variant type: single nucleotide variant.
Coding change: c.1301T>C on transcript NM_080424.4 (MANE Select); coding-DNA position 1301, T replaced by C.
Protein change: p.Ile434Thr; replaces isoleucine 434 with threonine.
Molecular consequence: missense variant.
Genome position (GRCh38, 1-based): chr2:230,183,619, A>G on the plus strand (T>C on the coding strand, the complement: SP110 is on the minus strand). VCF-style: chr2-230183619-A-G. GRCh37 (hg19) VCF-style: chr2-231048335-A-G.
Other names: c.1319T>C, p.Ile440Thr (NM_001185015.2, NM_001378442.1, NM_001378444.1 and 2 more transcripts); c.1301T>C, p.Ile434Thr (NM_001378443.1, NM_004509.5, NM_004510.4); c.1151T>C, p.Ile384Thr (NM_001378447.1); short protein forms I434T, I440T, I384T.
Identifiers: ClinVar variation 664033 (VCV000664033.10), dbSNP rs140716014, ClinGen allele CA2154550.
Genomic context (GRCh38, chr2:230,183,619, plus strand): 5'-CTTGCTTGCTTACCTCTTCGGTGAATATTTTTCTGAAATCTCCTTTTTGAGCTTGAACAG[A>G]TATCTTTCTCCTTTTTCTTTTCTAAACACAGAATTAATAATCACTTATAGCTACAAACAT-3'
Protein context (NP_536349.3, residues 424-444): RLKEKKKEKD[Ile434Thr]CSSSKRRFQK

ClinVar aggregate classification (germline): Uncertain significance. Review status: criteria provided, multiple submitters, no conflicts (2 of 4 stars). 2 submissions from 2 submitters: Uncertain significance (2). Last evaluated 2025-05-16.

Conditions:
Inborn genetic diseases. Identifiers: MedGen C0950123, MeSH D030342.
Hepatic veno-occlusive disease-immunodeficiency syndrome. Also called: Hepatic Veno-Occlusive Disease with Immunodeficiency. Identifiers: Orphanet 79124, MedGen C1856128, MONDO:0009338, OMIM 235550. Disease mechanism: loss of function.

Allele frequency attached by ClinVar (database versions not stated): gnomAD 0.00002; TOPMed 0.00004; gnomAD exomes 0.00006; ESP Exome Variant Server 0.00008.
gnomAD v4.1: 82 of 1,594,556 alleles (0.0051%); highest among the groups gnomAD compares: South Asian, 0.018%; 1 homozygote.

Submissions (2):

Ambry Genetics
Classification: Uncertain significance for Inborn genetic diseases. Last evaluated: 2025-05-16. Review status: criteria provided, single submitter. Criteria: Ambry Variant Classification Scheme 2023. Collection method: clinical testing. Allele origin: germline.

Labcorp Genetics (formerly Invitae), Labcorp
Classification: Uncertain significance for Hepatic veno-occlusive disease-immunodeficiency syndrome. Last evaluated: 2025-01-06. Review status: criteria provided, single submitter. Criteria: Invitae Variant Classification Sherloc (09022015). Collection method: clinical testing. Allele origin: germline.
Comment: This sequence change replaces isoleucine, which is neutral and non-polar, with threonine, which is neutral and polar, at codon 434 of the SP110 protein (p.Ile434Thr). This variant is present in population databases (rs140716014, gnomAD 0.03%). This variant has not been reported in the literature in individuals affected with SP110-related conditions. ClinVar contains an entry for this variant (Variation ID: 664033). An algorithm developed to predict the effect of missense changes on protein structure and function (PolyPhen-2) suggests that this variant¬†is likely to be tolerated. In summary, the available evidence is currently insufficient to determine the role of this variant in disease. Therefore, it has been classified as a Variant of Uncertain Significance.